The following is an entry in ClinVar:

ClinVar aggregate classification (germline): Uncertain significance (1 of 4 stars; one submission).

Conditions:
Congenital myotonia, autosomal dominant form (THD). Also called: THOMSEN DISEASE; Myotonia congenita autosomal dominant. Identifiers: Orphanet 614, MedGen C2936781, MONDO:0008055, OMIM 160800.
Congenital myotonia, autosomal recessive form. Also called: BECKER DISEASE; Becker Generalized Myotonia; myotonia congenita, autosomal recessive. Identifiers: Orphanet 614, MedGen C0751360, MONDO:0009715, OMIM 255700.

Submission:

Labcorp Genetics (formerly Invitae), Labcorp
Classification: Uncertain significance for Congenital myotonia, autosomal recessive form; Congenital myotonia, autosomal dominant form. Last evaluated: 2024-01-18. Review status: criteria provided, single submitter. Criteria: Invitae Variant Classification Sherloc (09022015). Collection method: clinical testing. Allele origin: germline.
Comment: This sequence change replaces histidine, which is basic and polar, with glutamine, which is neutral and polar, at codon 835 of the CLCN1 protein (p.His835Gln). This variant is not present in population databases (gnomAD no frequency). This variant has not been reported in the literature in individuals affected with CLCN1-related conditions. Advanced modeling of protein sequence and biophysical properties (such as structural, functional, and spatial information, amino acid conservation, physicochemical variation, residue mobility, and thermodynamic stability) has been performed at Invitae for this missense variant, however the output from this modeling did not meet the statistical confidence thresholds required to predict the impact of this variant on CLCN1 protein function. In summary, the available evidence is currently insufficient to determine the role of this variant in disease. Therefore, it has been classified as a Variant of Uncertain Significance.

NM_000083.3(CLCN1):c.2505C>G (p.His835Gln)

Gene: CLCN1 (chloride voltage-gated channel 1; plus strand). Cytogenetic location: 7q34.
Variant type: single nucleotide variant.
Coding change: c.2505C>G on transcript NM_000083.3 (MANE Select); coding-DNA position 2505, C replaced by G.
Protein change: p.His835Gln; replaces histidine 835 with glutamine.
Molecular consequence: missense variant. On other transcripts: non-coding transcript variant (1).
Genome position (GRCh38, 1-based): chr7:143,350,473, C>G. VCF-style: chr7-143350473-C-G. GRCh37 (hg19) VCF-style: chr7-143047566-C-G.
Other names: short protein forms H835Q.
Identifiers: ClinVar variation 2939088 (VCV002939088.3), dbSNP rs1803363209, ClinGen allele CA369652686.